The following is an entry in ClinVar:

NM_024490.4(ATP10A):c.1364-4G>T

Gene: ATP10A (ATPase phospholipid transporting 10A (putative); minus strand). Cytogenetic location: 15q12.
Variant type: single nucleotide variant.
Coding change: c.1364-4G>T on transcript NM_024490.4 (MANE Select); 4 bases into the intron before coding-DNA position 1364, G replaced by T.
Molecular consequence: intron variant.
Genome position (GRCh38, 1-based): chr15:25,718,403, C>A on the plus strand (G>T on the coding strand, the complement: ATP10A is on the minus strand). VCF-style: chr15-25718403-C-A. GRCh37 (hg19) VCF-style: chr15-25963550-C-A.
Identifiers: ClinVar variation 381123 (VCV000381123.1), dbSNP rs750275239, ClinGen allele CA16606649.

ClinVar aggregate classification (germline): Likely benign (1 of 4 stars; one submission).

Allele frequency attached by ClinVar (database versions not stated): gnomAD 0.00001 and 0.00006.
gnomAD v4.1: 4 of 1,587,260 alleles (0.00025%); highest among the groups gnomAD compares: South Asian, 0.0011%; no homozygotes.

Submission:

GeneDx
Classification: Likely benign. Last evaluated: 2015-10-22. Review status: criteria provided, single submitter. Criteria: GeneDx Variant Classification (06012015). Collection method: clinical testing. Allele origin: germline. Affected: yes.
Comment: This variant is considered likely benign or benign based on one or more of the following criteria: it is a conservative change, it occurs at a poorly conserved position in the protein, it is predicted to be benign by multiple in silico algorithms, and/or has population frequency not consistent with disease.